The following is an entry in ClinVar:

ClinVar aggregate classification (germline): Pathogenic (1 of 4 stars; one submission).

Submission:

Labcorp Genetics (formerly Invitae), Labcorp
Classification: Pathogenic. Last evaluated: 2023-12-02. Review status: criteria provided, single submitter. Criteria: Invitae Variant Classification Sherloc (09022015). Collection method: clinical testing. Allele origin: germline.
Comment: This sequence change creates a premature translational stop signal (p.Gln318*) in the FAT4 gene. It is expected to result in an absent or disrupted protein product. Loss-of-function variants in FAT4 are known to be pathogenic (PMID: 24056717, 24913602). This variant is not present in population databases (gnomAD no frequency). This variant has not been reported in the literature in individuals affected with FAT4-related conditions. For these reasons, this variant has been classified as Pathogenic.

Literature cited by the submitters: PubMed 24056717; PubMed 24913602.

NM_001291303.3(FAT4):c.952C>T (p.Gln318Ter)

Gene: FAT4 (FAT atypical cadherin 4; plus strand). Cytogenetic location: 4q28.1.
Variant type: single nucleotide variant.
Coding change: c.952C>T on transcript NM_001291303.3 (MANE Select); coding-DNA position 952, C replaced by T.
Protein change: p.Gln318Ter; replaces glutamine 318 with a stop codon.
Molecular consequence: nonsense.
Genome position (GRCh38, 1-based): chr4:125,317,363, C>T. VCF-style: chr4-125317363-C-T. GRCh37 (hg19) VCF-style: chr4-126238518-C-T.
Other names: c.952C>T, p.Gln318Ter (NM_001291285.3, NM_024582.6); short protein forms Q318*.
Identifiers: ClinVar variation 2700383 (VCV002700383.3), dbSNP rs760733250, ClinGen allele CA358116879.
Genomic context (GRCh38, chr4:125,317,363, plus strand): 5'-ATGGACCCTGAGACGGGACTTATCACGGTGCGGGAGCCCCTGGACTTCGAAGCTCGGCGC[C>T]AATACTCGCTTACGGTGCAGGCGATGGACAGAGGCGTGCCTTCCCTCACTGGGCGCGCCG-3'